The following is an entry in ClinVar:

ClinVar aggregate classification (germline): Uncertain significance. Review status: criteria provided, multiple submitters, no conflicts (2 of 4 stars). 2 submissions from 2 submitters: Uncertain significance (2). Last evaluated 2025-03-30.

Conditions:
Left ventricular noncompaction. Identifiers: Orphanet 54260, MedGen C1960469, MONDO:0018901, HP:0030682.
MYH7B-related disorder. Also called: MYH7B-related condition.

Submissions (2):

PreventionGenetics, part of Exact Sciences
Classification: Uncertain significance for MYH7B-related condition. Last evaluated: 2025-03-30. Review status: criteria provided, single submitter. Criteria: ACMG Guidelines, 2015. Collection method: clinical testing. Allele origin: germline.
Comment: The MYH7B c.3187delG variant is predicted to result in a frameshift and premature protein termination (p.Glu1063Argfs*4). To our knowledge, this variant has not been reported in the literature. This variant is reported in 0.0023% of alleles in individuals of European (Non-Finnish) descent in gnomAD. Of note, a small number of early termination variants have also been documented in the literature, but there is insufficient evidence to establish loss of function as a mechanism of disease. At this time, the clinical significance of this variant is uncertain due to the absence of conclusive functional and genetic evidence.

Department of Pathology and Laboratory Medicine, Sinai Health System
Classification: Uncertain significance for left ventricular noncompaction. Last evaluated: 2022-04-13. Review status: criteria provided, single submitter. Criteria: ACMG Guidelines, 2015. Collection method: research. Allele origin: germline.

NM_020884.7(MYH7B):c.3061del (p.Glu1021fs)

Gene: MYH7B (myosin heavy chain 7B; plus strand). Cytogenetic location: 20q11.22.
Variant type: Deletion.
Coding change: c.3061del on transcript NM_020884.7 (MANE Select); coding-DNA position 3061, one base deleted (G; older notation c.3061delG).
Protein change: p.Glu1021fs; shifts the reading frame from glutamic acid 1021.
Molecular consequence: frameshift variant.
Genome position (GRCh38, 1-based): chr20:34,996,463, G deleted; the last of 2 consecutive G bases (chr20:34,996,462-34,996,463); deleting either gives the same sequence. VCF-style (leftmost placement, unchanged base first): chr20-34996461-AG-A. GRCh37 (hg19) VCF-style: chr20-33584264-AG-A.
Other names: c.3187delG (NM_020884.4); short protein forms E1021fs.
Identifiers: ClinVar variation 3779993 (VCV003779993.2).